The following is an entry in ClinVar:

NM_201384.3(PLEC):c.3661G>T (p.Ala1221Ser)

Gene: PLEC (plectin; minus strand). Cytogenetic location: 8q24.3.
Variant type: single nucleotide variant.
Coding change: c.3661G>T on transcript NM_201384.3 (MANE Select); coding-DNA position 3661, G replaced by T.
Protein change: p.Ala1221Ser; replaces alanine 1221 with serine.
Molecular consequence: missense variant.
Genome position (GRCh38, 1-based): chr8:143,927,505, C>A on the plus strand (G>T on the coding strand, the complement: PLEC is on the minus strand). VCF-style: chr8-143927505-C-A. GRCh37 (hg19) VCF-style: chr8-145001673-C-A.
Other names: c.3742G>T, p.Ala1248Ser (NM_000445.5); c.3619G>T, p.Ala1207Ser (NM_201378.4); c.3595G>T, p.Ala1199Ser (NM_201379.3); c.4072G>T, p.Ala1358Ser (NM_201380.4); c.3565G>T, p.Ala1189Ser (NM_201381.3); c.3661G>T, p.Ala1221Ser (NM_201382.4); c.3673G>T, p.Ala1225Ser (NM_201383.3); c.3742G>T (NM_000445.3); short protein forms A1221S, A1225S, A1189S, A1199S, A1248S, A1358S, A1207S.
Identifiers: ClinVar variation 282192 (VCV000282192.11), dbSNP rs727504099, ClinGen allele CA4926992.

ClinVar aggregate classification (germline): Uncertain significance. Review status: criteria provided, multiple submitters, no conflicts (2 of 4 stars). 4 submissions from 4 submitters: Uncertain significance (4). Last evaluated 2025-04-10.

Conditions:
Inborn genetic diseases. Identifiers: MedGen C0950123, MeSH D030342.
Epidermolysis bullosa simplex with nail dystrophy (EBS5D). Identifiers: MedGen C4225309, MONDO:0014661, OMIM 616487.
Epidermolysis bullosa simplex 5C, with pyloric atresia (EBS5C). Also called: PLEC-Related Epidermolysis Bullosa with Pyloric Atresia; Epidermolysis bullosa simplex with pyloric atresia; PLEC1-Related Epidermolysis Bullosa with Pyloric Atresia. Identifiers: Orphanet 158684, MedGen C2677349, MONDO:0012807, OMIM 612138.
Autosomal recessive limb-girdle muscular dystrophy type 2Q (LGMDR17). Also called: MUSCULAR DYSTROPHY, LIMB-GIRDLE, AUTOSOMAL RECESSIVE 17. Identifiers: Orphanet 254361, MedGen C3150989, MONDO:0013390, OMIM 613723.
Epidermolysis bullosa simplex 5B, with muscular dystrophy (EBS5B). Also called: EPIDERMOLYSIS BULLOSA SIMPLEX AND LIMB-GIRDLE MUSCULAR DYSTROPHY; Epidermolysis bullosa simplex with muscular dystrophy. Identifiers: Orphanet 257, MedGen C2931072, MONDO:0009181, OMIM 226670.
Epidermolysis bullosa simplex, Ogna type (EBS5A). Also called: Pidermolysis bullosa simplex 5A, Ogna type; EPIDERMOLYSIS BULLOSA SIMPLEX 5A, OGNA TYPE. Identifiers: Orphanet 79401, MedGen C0432317, MONDO:0007555, OMIM 131950.

Allele frequency attached by ClinVar (database versions not stated): gnomAD 0.00001; TOPMed 0.00002.
gnomAD v4.1: 17 of 1,596,932 alleles (0.0011%); highest among the groups gnomAD compares: Non-Finnish European, 0.0014%; no homozygotes.

Submissions (4):

Ambry Genetics
Classification: Uncertain significance for Inborn genetic diseases. Last evaluated: 2025-04-10. Review status: criteria provided, single submitter. Criteria: Ambry Variant Classification Scheme 2023. Collection method: clinical testing. Allele origin: germline.

Labcorp Genetics (formerly Invitae), Labcorp
Classification: Uncertain significance for Autosomal recessive limb-girdle muscular dystrophy type 2Q; Epidermolysis bullosa simplex, Ogna type; Epidermolysis bullosa simplex with nail dystrophy; Epidermolysis bullosa simplex 5C, with pyloric atresia; Epidermolysis bullosa simplex 5B, with muscular dystrophy. Last evaluated: 2025-01-16. Review status: criteria provided, single submitter. Criteria: Invitae Variant Classification Sherloc (09022015). Collection method: clinical testing. Allele origin: germline.
Comment: This sequence change replaces alanine, which is neutral and non-polar, with serine, which is neutral and polar, at codon 1248 of the PLEC protein (p.Ala1248Ser). This variant is present in population databases (rs727504099, gnomAD 0.002%). This variant has not been reported in the literature in individuals affected with PLEC-related conditions. ClinVar contains an entry for this variant (Variation ID: 282192). Invitae Evidence Modeling of protein sequence and biophysical properties (such as structural, functional, and spatial information, amino acid conservation, physicochemical variation, residue mobility, and thermodynamic stability) indicates that this missense variant is not expected to disrupt PLEC protein function with a negative predictive value of 80%. In summary, the available evidence is currently insufficient to determine the role of this variant in disease. Therefore, it has been classified as a Variant of Uncertain Significance.

Revvity Omics, Revvity
Classification: Uncertain significance. Last evaluated: 2024-10-09. Review status: criteria provided, single submitter. Criteria: ACMG Guidelines, 2015. Collection method: clinical testing. Allele origin: germline.

Eurofins Ntd Llc (ga)
Classification: Uncertain significance. Last evaluated: 2015-08-01. Review status: criteria provided, single submitter. Criteria: EGL Classification Definitions 2015. Collection method: clinical testing. Allele origin: germline. Observed: 1 variant allele, 1 heterozygote.